The following is an entry in ClinVar:

NM_007272.3(CTRC):c.419C>G (p.Ala140Gly)

Gene: CTRC (chymotrypsin C; plus strand). Cytogenetic location: 1p36.21.
Variant type: single nucleotide variant.
Coding change: c.419C>G on transcript NM_007272.3 (MANE Select); coding-DNA position 419, C replaced by G.
Protein change: p.Ala140Gly; replaces alanine 140 with glycine.
Molecular consequence: missense variant.
Genome position (GRCh38, 1-based): chr1:15,443,481, C>G. VCF-style: chr1-15443481-C-G. GRCh37 (hg19) VCF-style: chr1-15769976-C-G.
Other names: short protein forms A140G.
Identifiers: ClinVar variation 4235792 (VCV004235792.1).

ClinVar aggregate classification (germline): Uncertain significance (1 of 4 stars; one submission).

Conditions:
Hereditary pancreatitis (PCTT). Also called: Hereditary chronic pancreatitis; PRSS1-Related Hereditary Pancreatitis. Identifiers: Orphanet 676, MedGen C0238339, MONDO:0008185, OMIM 167800.

Submission:

Ambry Genetics
Classification: Uncertain significance for Hereditary pancreatitis. Last evaluated: 2025-06-21. Review status: criteria provided, single submitter. Criteria: Ambry Variant Classification Scheme 2023. Collection method: clinical testing. Allele origin: germline.
Comment: The p.A140G variant (also known as c.419C>G), located in coding exon 5 of the CTRC gene, results from a C to G substitution at nucleotide position 419. The alanine at codon 140 is replaced by glycine, an amino acid with similar properties. This amino acid position is conserved. In addition, the in silico prediction for this alteration is inconclusive. Based on the available evidence, the clinical significance of this variant remains unclear.